The following is an entry in ClinVar:

ClinVar aggregate classification (germline): Uncertain significance (1 of 4 stars; one submission).

Conditions:
Inflammatory skin and bowel disease, neonatal, 1. Identifiers: Orphanet 294023, MedGen C3280501, MONDO:0013693, OMIM 614328.

Allele frequency attached by ClinVar (database versions not stated): ExAC 0.00001; gnomAD 0.00001; gnomAD exomes 0.00001; TOPMed 0.00001.
gnomAD v4.1: 18 of 1,613,880 alleles (0.0011%); highest among the groups gnomAD compares: Middle Eastern, 0.016%; no homozygotes.

Submission:

Labcorp Genetics (formerly Invitae), Labcorp
Classification: Uncertain significance for Inflammatory skin and bowel disease, neonatal, 1. Last evaluated: 2022-06-25. Review status: criteria provided, single submitter. Criteria: Invitae Variant Classification Sherloc (09022015). Collection method: clinical testing. Allele origin: germline.
Comment: This sequence change replaces aspartic acid, which is acidic and polar, with asparagine, which is neutral and polar, at codon 443 of the ADAM17 protein (p.Asp443Asn). This variant is present in population databases (rs777722013, gnomAD 0.004%). This variant has not been reported in the literature in individuals affected with ADAM17-related conditions. ClinVar contains an entry for this variant (Variation ID: 646830). Algorithms developed to predict the effect of missense changes on protein structure and function are either unavailable or do not agree on the potential impact of this missense change (SIFT: "Not Available"; PolyPhen-2: "Probably Damaging"; Align-GVGD: "Not Available"). In summary, the available evidence is currently insufficient to determine the role of this variant in disease. Therefore, it has been classified as a Variant of Uncertain Significance.

NM_003183.6(ADAM17):c.1327G>A (p.Asp443Asn)

Genes: ADAM17 (ADAM metallopeptidase domain 17; minus strand), IAH1 (isoamyl acetate hydrolyzing esterase 1 (putative); plus strand). Cytogenetic location: 2p25.1.
Variant type: single nucleotide variant.
Coding change: c.1327G>A on transcript NM_003183.6 (MANE Select); coding-DNA position 1327, G replaced by A.
Protein change: p.Asp443Asn; replaces aspartic acid 443 with asparagine.
Molecular consequence: missense variant.
Genome position (GRCh38, 1-based): chr2:9,509,996, C>T on the plus strand (G>A on the coding strand, the complement: ADAM17 is on the minus strand). VCF-style: chr2-9509996-C-T. GRCh37 (hg19) VCF-style: chr2-9650125-C-T.
Other names: c.1327G>A, p.Asp443Asn (LRG_1203t1); short protein forms D443N.
Identifiers: ClinVar variation 646830 (VCV000646830.6), dbSNP rs777722013, ClinGen allele CA1523529.